The following is an entry in ClinVar:

NM_004977.3(KCNC3):c.1743G>C (p.Pro581=)

Gene: KCNC3 (potassium voltage-gated channel subfamily C member 3; minus strand). Cytogenetic location: 19q13.33.
Variant type: single nucleotide variant.
Coding change: c.1743G>C on transcript NM_004977.3 (MANE Select); coding-DNA position 1743, G replaced by C.
Protein change: p.Pro581=; no amino-acid change (proline 581 retained).
Molecular consequence: synonymous variant.
Genome position (GRCh38, 1-based): chr19:50,323,210, C>G on the plus strand (G>C on the coding strand, the complement: KCNC3 is on the minus strand). VCF-style: chr19-50323210-C-G. GRCh37 (hg19) VCF-style: chr19-50826467-C-G.
Other names: c.1515G>C, p.Pro505= (NM_001372305.1).
Identifiers: ClinVar variation 2650322 (VCV002650322.24), dbSNP rs746696640, ClinGen allele CA508302906.
Genomic context (GRCh38, chr19:50,323,210, plus strand): 5'-GGTGATGGGTGGCGGCGGGCTGATGCCCCCGCTGCCGTGGTGCGGGTGGGGCGGGGGTGG[C>G]GGGGGTGGGTCAGGCTTGCAGTAGTTGGGCGAGCCCGGTTGCGGGGGCCGGGGGATGTGT-3'
Protein context (NP_004968.2, residues 571-591): SPNYCKPDPP[Pro581=]PPPPHPHHGS

ClinVar aggregate classification (germline): Likely benign (1 of 4 stars; one submission).

Submission:

CeGaT Center for Human Genetics Tuebingen
Classification: Likely benign. Last evaluated: 2023-08-01. Review status: criteria provided, single submitter. Criteria: CeGaT Center For Human Genetics Tuebingen Variant Classification Criteria Version 2. Collection method: clinical testing. Allele origin: germline. Affected: yes. Observed: 1 variant allele.
Comment: KCNC3: BP4, BP7